The following is an entry in ClinVar:

ClinVar aggregate classification (germline): Likely benign. Review status: criteria provided, single submitter (1 of 4 stars). 2 submissions from 2 submitters: Likely benign (1). 1 of the submissions does not count toward it. Last evaluated 2025-04-19.

Conditions:
PSMC3IP-related disorder. Also called: PSMC3IP-related condition.

gnomAD v4.1: 241 of 1,614,198 alleles (0.015%); highest among the groups gnomAD compares: South Asian, 0.25%; 3 homozygotes.

Submissions (2):

Labcorp Genetics (formerly Invitae), Labcorp
Classification: Likely benign. Last evaluated: 2025-04-19. Review status: criteria provided, single submitter. Criteria: Invitae Variant Classification Sherloc (09022015). Collection method: clinical testing. Allele origin: germline.

PreventionGenetics, part of Exact Sciences
Classification: Likely benign for PSMC3IP-related condition. Last evaluated: 2024-03-20. Review status: no assertion criteria provided. Collection method: clinical testing. Allele origin: germline. Not counted in ClinVar's aggregate classification.
Comment: This variant is classified as likely benign based on ACMG/AMP sequence variant interpretation guidelines (Richards et al. 2015 PMID: 25741868, with internal and published modifications).

NM_016556.4(PSMC3IP):c.646G>A (p.Asp216Asn)

Genes: MLX (MAX dimerization protein MLX; plus strand), PSMC3IP (PSMC3 interacting protein; minus strand). Cytogenetic location: 17q21.2.
Variant type: single nucleotide variant.
Coding change: c.646G>A on transcript NM_016556.4 (MANE Select); coding-DNA position 646, G replaced by A.
Protein change: p.Asp216Asn; replaces aspartic acid 216 with asparagine.
Molecular consequence: missense variant. On other transcripts: non-coding transcript variant (3), 3 prime UTR variant (3).
Genome position (GRCh38, 1-based): chr17:42,572,976, C>T on the plus strand (G>A on the coding strand, the complement: PSMC3IP is on the minus strand). VCF-style: chr17-42572976-C-T. GRCh37 (hg19) VCF-style: chr17-40724994-C-T.
Other names: c.457G>A, p.Asp153Asn (NM_001256014.2); c.409G>A, p.Asp137Asn (NM_001256015.2, NM_001256016.2); c.610G>A, p.Asp204Asn (NM_013290.7); c.*1373C>T (NM_170607.3, NM_198204.2, NM_198205.2); short protein forms D137N, D153N, D204N, D216N.
Identifiers: ClinVar variation 3354645 (VCV003354645.3).
Genomic context (GRCh38, chr17:42,572,976, plus strand): 5'-ATCTCACTCTTCTGACATCCTGCAGTCCCCACCAGTCCTGACCGTGGGCCCCTCAGGGGT[C>T]TGGGAGTGTGACGTTGTAATCTTCATCCGTCTCTATCCCAACTTCCTCCTGTGAGACAGG-3'
Protein context (NP_057640.1, residues 206-217): TDEDYNVTLP[Asp216Asn]P